The following is an entry in ClinVar:

NM_005576.4(LOXL1):c.327C>T (p.Asp109=)

Genes: LOXL1-AS1 (LOXL1 antisense RNA 1; minus strand), LOXL1 (lysyl oxidase like 1; plus strand). Cytogenetic location: 15q24.1.
Variant type: single nucleotide variant.
Coding change: c.327C>T on transcript NM_005576.4 (MANE Select); coding-DNA position 327, C replaced by T.
Protein change: p.Asp109=; no amino-acid change (aspartic acid 109 retained).
Molecular consequence: synonymous variant.
Genome position (GRCh38, 1-based): chr15:73,927,110, C>T. VCF-style: chr15-73927110-C-T. GRCh37 (hg19) VCF-style: chr15-74219451-C-T.
Identifiers: ClinVar variation 3058343 (VCV003058343.2), dbSNP rs1301603645, ClinGen allele CA491481276.

ClinVar aggregate classification (germline): Likely benign (0 of 4 stars; one submission).

Conditions:
LOXL1-related disorder. Also called: LOXL1-related condition.

Allele frequency attached by ClinVar (database versions not stated): gnomAD 0.00001; TOPMed 0.00002.
gnomAD v4.1: 18 of 1,350,308 alleles (0.0013%); highest among the groups gnomAD compares: Non-Finnish European, 0.0017%; no homozygotes.

Submission:

PreventionGenetics, part of Exact Sciences
Classification: Likely benign for LOXL1-related condition. Last evaluated: 2019-03-22. Review status: no assertion criteria provided. Collection method: clinical testing. Allele origin: germline.
Comment: This variant is classified as likely benign based on ACMG/AMP sequence variant interpretation guidelines (Richards et al. 2015 PMID: 25741868, with internal and published modifications).